The following is an entry in ClinVar:

NM_177438.3(DICER1):c.1865G>C (p.Gly622Ala)

Gene: DICER1 (dicer 1, ribonuclease III; minus strand). Cytogenetic location: 14q32.13.
Variant type: single nucleotide variant.
Coding change: c.1865G>C on transcript NM_177438.3 (MANE Select); coding-DNA position 1865, G replaced by C.
Protein change: p.Gly622Ala; replaces glycine 622 with alanine.
Molecular consequence: missense variant. On other transcripts: non-coding transcript variant (6).
Genome position (GRCh38, 1-based): chr14:95,115,709, C>G on the plus strand (G>C on the coding strand, the complement: DICER1 is on the minus strand). VCF-style: chr14-95115709-C-G. GRCh37 (hg19) VCF-style: chr14-95582046-C-G.
Other names: c.1865G>C, p.Gly622Ala (NM_001195573.1, NM_001271282.3, NM_001291628.2 and 12 more transcripts); c.1583G>C, p.Gly528Ala (NM_001395686.1); c.1460G>C, p.Gly487Ala (NM_001395687.1, NM_001395688.1, NM_001395689.1 and 3 more transcripts); c.1298G>C, p.Gly433Ala (NM_001395691.1); c.182G>C, p.Gly61Ala (NM_001395697.1); short protein forms G433A, G487A, G61A, G622A, G528A.
Identifiers: ClinVar variation 4011680 (VCV004011680.1).
Genomic context (GRCh38, chr14:95,115,709, plus strand): 5'-AATGATATGATGCCATACCTATTGATGTGTCCAATGGCCGTGTTGATTGTGACTCGTGGA[C>G]CACCATCGTCAGGCCTCAACACATATGGTGGGAAAACGTCATCATCATCCATGACAGGAT-3'
Protein context (NP_803187.1, residues 612-632): PPYVLRPDDG[Gly622Ala]PRVTINTAIG

ClinVar aggregate classification (germline): Uncertain significance (1 of 4 stars; one submission).

Conditions:
Hereditary cancer-predisposing syndrome. Also called: Tumor predisposition; Hereditary neoplastic syndrome; Neoplastic Syndromes, Hereditary; Hereditary Cancer Syndrome. Identifiers: Orphanet 140162, MedGen C0027672, MeSH D009386, MONDO:0015356.

Submission:

Ambry Genetics
Classification: Uncertain significance for Hereditary cancer-predisposing syndrome. Last evaluated: 2025-06-01. Review status: criteria provided, single submitter. Criteria: Ambry Variant Classification Scheme 2023. Collection method: clinical testing. Allele origin: germline.
Comment: The p.G622A variant (also known as c.1865G>C), located in coding exon 10 of the DICER1 gene, results from a G to C substitution at nucleotide position 1865. The glycine at codon 622 is replaced by alanine, an amino acid with similar properties. This amino acid position is conserved. In addition, this alteration is predicted to be tolerated by in silico analysis. Based on the available evidence, the clinical significance of this variant remains unclear.